The following is an entry in ClinVar:

NM_000553.6(WRN):c.1618C>T (p.Leu540Phe)

Gene: WRN (WRN RecQ like helicase; plus strand). Cytogenetic location: 8p12.
Variant type: single nucleotide variant.
Coding change: c.1618C>T on transcript NM_000553.6 (MANE Select); coding-DNA position 1618, C replaced by T.
Protein change: p.Leu540Phe; replaces leucine 540 with phenylalanine.
Molecular consequence: missense variant.
Genome position (GRCh38, 1-based): chr8:31,088,931, C>T. VCF-style: chr8-31088931-C-T. GRCh37 (hg19) VCF-style: chr8-30946447-C-T.
Other names: short protein forms L540F.
Identifiers: ClinVar variation 852492 (VCV000852492.8), dbSNP rs750684158, ClinGen allele CA4704429.

ClinVar aggregate classification (germline): Uncertain significance (1 of 4 stars; one submission).

Conditions:
Werner syndrome (WRN). Identifiers: Orphanet 902, MedGen C0043119, MONDO:0010196, OMIM 277700.

Allele frequency attached by ClinVar (database versions not stated): ExAC 0.00001; gnomAD exomes 0.00001.
gnomAD v4.1: 4 of 1,611,538 alleles (0.00025%); highest among the groups gnomAD compares: South Asian, 0.0033%; no homozygotes.

Submission:

Labcorp Genetics (formerly Invitae), Labcorp
Classification: Uncertain significance for Werner syndrome. Last evaluated: 2022-11-01. Review status: criteria provided, single submitter. Criteria: Invitae Variant Classification Sherloc (09022015). Collection method: clinical testing. Allele origin: germline.
Comment: In summary, the available evidence is currently insufficient to determine the role of this variant in disease. Therefore, it has been classified as a Variant of Uncertain Significance. Algorithms developed to predict the effect of missense changes on protein structure and function are either unavailable or do not agree on the potential impact of this missense change (SIFT: "Not Available"; PolyPhen-2: "Probably Damaging"; Align-GVGD: "Not Available"). This variant has not been reported in the literature in individuals affected with WRN-related conditions. ClinVar contains an entry for this variant (Variation ID: 852492). This sequence change replaces leucine, which is neutral and non-polar, with phenylalanine, which is neutral and non-polar, at codon 540 of the WRN protein (p.Leu540Phe). This variant is present in population databases (rs750684158, gnomAD 0.01%).